The following is an entry in ClinVar:

ClinVar aggregate classification (germline): Uncertain significance (1 of 4 stars; one submission).

Conditions:
Hereditary sensory and autonomic neuropathy type 7. Also called: HSAN VII; Neuropathy, hereditary sensory and autonomic, type VII. Identifiers: Orphanet 391397, MedGen C3809882, MONDO:0014244, OMIM 615548.
Familial episodic pain syndrome with predominantly lower limb involvement. Also called: Episodic pain syndrome, familial, 3. Identifiers: Orphanet 391384, Orphanet 391392, MedGen C3809899, MONDO:0014247, OMIM 615552.

gnomAD v4.1: 1 of 1,613,736 alleles (0.000062%); highest among the groups gnomAD compares: Non-Finnish European, 0.000085%; no homozygotes.

Submission:

Labcorp Genetics (formerly Invitae), Labcorp
Classification: Uncertain significance for Familial episodic pain syndrome with predominantly lower limb involvement; Hereditary sensory and autonomic neuropathy type 7. Last evaluated: 2022-08-09. Review status: criteria provided, single submitter. Criteria: Invitae Variant Classification Sherloc (09022015). Collection method: clinical testing. Allele origin: germline.
Comment: In summary, the available evidence is currently insufficient to determine the role of this variant in disease. Therefore, it has been classified as a Variant of Uncertain Significance. Algorithms developed to predict the effect of missense changes on protein structure and function (SIFT, PolyPhen-2, Align-GVGD) all suggest that this variant is likely to be disruptive. ClinVar contains an entry for this variant (Variation ID: 1497322). This variant has not been reported in the literature in individuals affected with SCN11A-related conditions. This variant is present in population databases (no rsID available, gnomAD 0.0009%). This sequence change replaces valine, which is neutral and non-polar, with alanine, which is neutral and non-polar, at codon 241 of the SCN11A protein (p.Val241Ala).

NM_001349253.2(SCN11A):c.722T>C (p.Val241Ala)

Gene: SCN11A (sodium voltage-gated channel alpha subunit 11; minus strand). Cytogenetic location: 3p22.2.
Variant type: single nucleotide variant.
Coding change: c.722T>C on transcript NM_001349253.2 (MANE Select); coding-DNA position 722, T replaced by C.
Protein change: p.Val241Ala; replaces valine 241 with alanine.
Molecular consequence: missense variant.
Genome position (GRCh38, 1-based): chr3:38,921,246, A>G on the plus strand (T>C on the coding strand, the complement: SCN11A is on the minus strand). VCF-style: chr3-38921246-A-G. GRCh37 (hg19) VCF-style: chr3-38962737-A-G.
Other names: c.722T>C, p.Val241Ala (NM_014139.3); short protein forms V241A.
Identifiers: ClinVar variation 1497322 (VCV001497322.8), dbSNP rs1282362874, ClinGen allele CA352172437.